The following is an entry in ClinVar:

NM_182746.3(MCM4):c.2167del (p.Ser723fs)

Gene: MCM4 (minichromosome maintenance complex component 4; plus strand). Cytogenetic location: 8q11.21.
Variant type: Deletion.
Coding change: c.2167del on transcript NM_182746.3 (MANE Select); coding-DNA position 2167, one base deleted (A; older notation c.2167delA).
Protein change: p.Ser723fs; shifts the reading frame from serine 723.
Molecular consequence: frameshift variant.
Genome position (GRCh38, 1-based): chr8:47,974,764, A deleted. VCF-style (leftmost placement, unchanged base first): chr8-47974763-TA-T. GRCh37 (hg19) VCF-style: chr8-48887323-TA-T.
Other names: c.2167del, p.Ser723fs (NM_005914.4); short protein forms S723fs.
Identifiers: ClinVar variation 1954631 (VCV001954631.5), dbSNP rs769592643, ClinGen allele CA4742840.

ClinVar aggregate classification (germline): Uncertain significance (1 of 4 stars; one submission).

Allele frequency attached by ClinVar (database versions not stated): TOPMed below 0.00001; gnomAD exomes 0.00001; ExAC 0.00002; gnomAD 0.00002.

Submission:

Labcorp Genetics (formerly Invitae), Labcorp
Classification: Uncertain significance. Last evaluated: 2023-12-11. Review status: criteria provided, single submitter. Criteria: Invitae Variant Classification Sherloc (09022015). Collection method: clinical testing. Allele origin: germline.
Comment: This sequence change creates a premature translational stop signal (p.Ser723Alafs*12) in the MCM4 gene. It is expected to result in an absent or disrupted protein product. However, the current clinical and genetic evidence is not sufficient to establish whether loss-of-function variants in MCM4 cause disease. This variant is present in population databases (rs769592643, gnomAD 0.006%). This variant has not been reported in the literature in individuals affected with MCM4-related conditions. ClinVar contains an entry for this variant (Variation ID: 1954631). In summary, the available evidence is currently insufficient to determine the role of this variant in disease. Therefore, it has been classified as a Variant of Uncertain Significance.